The following is an entry in ClinVar:

NM_002295.6(RPSA):c.315T>C (p.Pro105=)

Gene: RPSA (ribosomal protein SA; plus strand). Cytogenetic location: 3p22.1.
Variant type: single nucleotide variant.
Coding change: c.315T>C on transcript NM_002295.6 (MANE Select); coding-DNA position 315, T replaced by C.
Protein change: p.Pro105=; no amino-acid change (proline 105 retained).
Molecular consequence: synonymous variant.
Genome position (GRCh38, 1-based): chr3:39,410,816, T>C. VCF-style: chr3-39410816-T-C. GRCh37 (hg19) VCF-style: chr3-39452307-T-C.
Other names: c.330T>C, p.Pro110= (NM_001304288.2).
Identifiers: ClinVar variation 797181 (VCV000797181.11), dbSNP rs529221890, ClinGen allele CA2327759.

ClinVar aggregate classification (germline): Benign/Likely benign. Review status: criteria provided, multiple submitters, no conflicts (2 of 4 stars). 3 submissions from 3 submitters: Benign (1); Likely benign (1). 1 of the submissions does not count toward it. Last evaluated 2025-12-15.

Conditions:
RPSA-related disorder. Also called: RPSA-related condition.

Allele frequency attached by ClinVar (database versions not stated): gnomAD below 0.00001 and 0.00010; TOPMed 0.00002; gnomAD exomes 0.00015 and 0.00033; ExAC 0.00038; 1000 Genomes Project 30x 0.00078; 1000 Genomes Project 0.00080.
gnomAD v4.1: 223 of 1,610,342 alleles (0.014%); highest among the groups gnomAD compares: South Asian, 0.23%; 2 homozygotes.

Submissions (3):

Labcorp Genetics (formerly Invitae), Labcorp
Classification: Benign. Last evaluated: 2025-12-15. Review status: criteria provided, single submitter. Criteria: Invitae Variant Classification Sherloc (09022015). Collection method: clinical testing. Allele origin: germline.

Blueprint Genetics
Classification: Likely benign. Last evaluated: 2024-07-31. Review status: criteria provided, single submitter. Criteria: ACMG Guidelines, 2015. Collection method: clinical testing. Allele origin: germline.

PreventionGenetics, part of Exact Sciences
Classification: Likely benign for RPSA-related condition. Last evaluated: 2019-09-26. Review status: no assertion criteria provided. Collection method: clinical testing. Allele origin: germline. Not counted in ClinVar's aggregate classification.
Comment: This variant is classified as likely benign based on ACMG/AMP sequence variant interpretation guidelines (Richards et al. 2015 PMID: 25741868, with internal and published modifications).